The following is an entry in ClinVar:

ClinVar aggregate classification (germline): Uncertain significance. Review status: criteria provided, multiple submitters, no conflicts (2 of 4 stars). 2 submissions from 2 submitters: Uncertain significance (2). Last evaluated 2025-03-19.

Allele frequency attached by ClinVar (database versions not stated): gnomAD exomes below 0.00001; ExAC 0.00001; gnomAD 0.00001; 1000 Genomes Project 30x 0.00016; 1000 Genomes Project 0.00020.
gnomAD v4.1: 4 of 1,613,688 alleles (0.00025%); highest among the groups gnomAD compares: East Asian, 0.0022%; no homozygotes.

Submissions (2):

Labcorp Genetics (formerly Invitae), Labcorp
Classification: Uncertain significance. Last evaluated: 2025-03-19. Review status: criteria provided, single submitter. Criteria: Invitae Variant Classification Sherloc (09022015). Collection method: clinical testing. Allele origin: germline.
Comment: This sequence change replaces glycine, which is neutral and non-polar, with alanine, which is neutral and non-polar, at codon 646 of the COL4A1 protein (p.Gly646Ala). This variant is present in population databases (rs532972509, gnomAD 0.006%). This missense change has been observed in individual(s) with cerebral small vessel disease (PMID: 35401403). ClinVar contains an entry for this variant (Variation ID: 2688825). Invitae Evidence Modeling of protein sequence and biophysical properties (such as structural, functional, and spatial information, amino acid conservation, physicochemical variation, residue mobility, and thermodynamic stability) indicates that this missense variant is not expected to disrupt COL4A1 protein function with a negative predictive value of 95%. In summary, the available evidence is currently insufficient to determine the role of this variant in disease. Therefore, it has been classified as a Variant of Uncertain Significance.

Revvity Omics, Revvity
Classification: Uncertain significance. Last evaluated: 2023-12-05. Review status: criteria provided, single submitter. Criteria: ACMG Guidelines, 2015. Collection method: clinical testing. Allele origin: germline.

Literature cited by the submitters: PubMed 35401403 (cited by Labcorp Genetics (formerly Invitae), Labcorp).

NM_001845.6(COL4A1):c.1937G>C (p.Gly646Ala)

Gene: COL4A1 (collagen type IV alpha 1 chain; minus strand). Cytogenetic location: 13q34.
Variant type: single nucleotide variant.
Coding change: c.1937G>C on transcript NM_001845.6 (MANE Select); coding-DNA position 1937, G replaced by C.
Protein change: p.Gly646Ala; replaces glycine 646 with alanine.
Molecular consequence: missense variant.
Genome position (GRCh38, 1-based): chr13:110,183,237, C>G on the plus strand (G>C on the coding strand, the complement: COL4A1 is on the minus strand). VCF-style: chr13-110183237-C-G. GRCh37 (hg19) VCF-style: chr13-110835584-C-G.
Other names: short protein forms G646A.
Identifiers: ClinVar variation 2688825 (VCV002688825.3), dbSNP rs532972509, ClinGen allele CA7047776.
Genomic context (GRCh38, chr13:110,183,237, plus strand): 5'-ATCGTACCTTGGGGACCTGGGAAGCCTGGGGACCCCGGCAGTCCTTCTGCTCCAGGGGGG[C>G]CTGGTAAAGGAACAATTTTTCCTGGTTCACCCTTTGGACCTAGAGGAAAAAAAGAGCAAA-3'
Protein context (NP_001836.3, residues 636-656): GEPGKIVPLP[Gly646Ala]PPGAEGLPGS